The following is an entry in ClinVar:

ClinVar aggregate classification (germline): Uncertain significance. Review status: criteria provided, multiple submitters, no conflicts (2 of 4 stars). 3 submissions from 3 submitters: Uncertain significance (3). Last evaluated 2024-10-06.

Conditions:
Hereditary pheochromocytoma and paraganglioma. Also called: Hereditary pheochromocytoma-paraganglioma; Hereditary Paraganglioma-Pheochromocytoma Syndromes; Hereditary paragangliomas and pheochromocytomas. Identifiers: Orphanet 29072, MedGen C4274332, MONDO:0017366.
Pheochromocytoma. Also called: MAX-Related Hereditary Paraganglioma-Pheochromocytoma Syndrome. Identifiers: Orphanet 29072, MedGen C0031511, MONDO:0008233, OMIM 171300, HP:0002666.
Hereditary cancer-predisposing syndrome. Also called: Hereditary neoplastic syndrome; Hereditary Cancer Syndrome; Tumor predisposition; Neoplastic Syndromes, Hereditary. Identifiers: Orphanet 140162, MedGen C0027672, MeSH D009386, MONDO:0015356.

Allele frequency attached by ClinVar (database versions not stated): gnomAD exomes below 0.00001; TOPMed below 0.00001; gnomAD 0.00001.
gnomAD v4.1: 3 of 1,614,018 alleles (0.00019%); highest among the groups gnomAD compares: African/African-American, 0.0027%; no homozygotes.

Submissions (3):

Labcorp Genetics (formerly Invitae), Labcorp
Classification: Uncertain significance for Hereditary pheochromocytoma and paraganglioma. Last evaluated: 2024-10-06. Review status: criteria provided, single submitter. Criteria: Invitae Variant Classification Sherloc (09022015). Collection method: clinical testing. Allele origin: germline.
Comment: This sequence change replaces methionine, which is neutral and non-polar, with isoleucine, which is neutral and non-polar, at codon 214 of the TMEM127 protein (p.Met214Ile). This variant is present in population databases (no rsID available, gnomAD 0.007%). This variant has not been reported in the literature in individuals affected with TMEM127-related conditions. ClinVar contains an entry for this variant (Variation ID: 997454). An algorithm developed to predict the effect of missense changes on protein structure and function (PolyPhen-2) suggests that this variant is likely to be disruptive. In summary, the available evidence is currently insufficient to determine the role of this variant in disease. Therefore, it has been classified as a Variant of Uncertain Significance.

Ambry Genetics
Classification: Uncertain significance for Hereditary cancer-predisposing syndrome. Last evaluated: 2023-08-05. Review status: criteria provided, single submitter. Criteria: Ambry Variant Classification Scheme 2023. Collection method: clinical testing. Allele origin: germline.
Comment: The p.M214I variant (also known as c.642G>T), located in coding exon 3 of the TMEM127 gene, results from a G to T substitution at nucleotide position 642. The methionine at codon 214 is replaced by isoleucine, an amino acid with highly similar properties. This amino acid position is highly conserved in available vertebrate species. In addition, this alteration is predicted to be deleterious by in silico analysis. Since supporting evidence is limited at this time, the clinical significance of this alteration remains unclear.

Baylor Genetics
Classification: Uncertain significance for Pheochromocytoma. Last evaluated: 2020-06-25. Review status: criteria provided, single submitter. Criteria: ACMG Guidelines, 2015. Collection method: clinical testing. Allele origin: paternal. Affected: yes. Study: CSER-TexasKidsCanSeq.
Comment: This variant was determined to be of uncertain significance according to ACMG Guidelines, 2015 [PMID:25741868].

NM_017849.4(TMEM127):c.642G>T (p.Met214Ile)

Gene: TMEM127 (transmembrane protein 127; minus strand). Cytogenetic location: 2q11.2.
Variant type: single nucleotide variant.
Coding change: c.642G>T on transcript NM_017849.4 (MANE Select); coding-DNA position 642, G replaced by T.
Protein change: p.Met214Ile; replaces methionine 214 with isoleucine.
Molecular consequence: missense variant.
Genome position (GRCh38, 1-based): chr2:96,253,883, C>A on the plus strand (G>T on the coding strand, the complement: TMEM127 is on the minus strand). VCF-style: chr2-96253883-C-A. GRCh37 (hg19) VCF-style: chr2-96919621-C-A.
Other names: c.642G>T, p.Met214Ile (NM_001193304.3); short protein forms M214I.
Identifiers: ClinVar variation 997454 (VCV000997454.8), dbSNP rs1485424649, ClinGen allele CA347651678.